The following is an entry in ClinVar:

ClinVar aggregate classification (germline): Uncertain significance (1 of 4 stars; one submission).

Submission:

Labcorp Genetics (formerly Invitae), Labcorp
Classification: Uncertain significance. Last evaluated: 2025-10-18. Review status: criteria provided, single submitter. Criteria: Invitae Variant Classification Sherloc (09022015). Collection method: clinical testing. Allele origin: germline.
Comment: This sequence change falls in intron 5 of the MMP9 gene. It does not directly change the encoded amino acid sequence of the MMP9 protein. Information on the frequency of this variant in the gnomAD database is not available, as this variant may be reported differently in the database. This variant has not been reported in the literature in individuals affected with MMP9-related conditions. ClinVar contains an entry for this variant (Variation ID: 2416673). In summary, the available evidence is currently insufficient to determine the role of this variant in disease. Therefore, it has been classified as a Variant of Uncertain Significance.

NM_004994.3(MMP9):c.824-7_824-6delinsAG

Gene: MMP9 (matrix metallopeptidase 9; plus strand). Cytogenetic location: 20q13.12.
Variant type: Indel.
Coding change: c.824-7_824-6delinsAG on transcript NM_004994.3 (MANE Select); 7 bases into the intron before coding-DNA position 824 through 6 bases into the intron before coding-DNA position 824, GC replaced by AG.
Molecular consequence: intron variant.
Genome position (GRCh38, 1-based): chr20:46,011,567-46,011,568, GC replaced by AG. VCF-style: chr20-46011567-GC-AG. GRCh37 (hg19) VCF-style: chr20-44640206-GC-AG.
Identifiers: ClinVar variation 2416673 (VCV002416673.6), dbSNP rs2515612842, ClinGen allele CA2580098221.
Genomic context (GRCh38, chr20:46,011,567, plus strand): 5'-ACACACTTGGGGGTTATAATGTGCTGTCTCCGCCTTCTCCCCCTTTCCCACATCCTCCTC[GC>AG]CCCAGGACTCTACACCCAGGACGGCAATGCTGATGGGAAACCCTGCCAGTTTCCATTCAT-3'